The following is an entry in ClinVar:

NM_001134831.2(AHI1):c.3257A>G (p.Glu1086Gly)

Gene: AHI1 (Abelson helper integration site 1; minus strand). Cytogenetic location: 6q23.3.
Variant type: single nucleotide variant.
Coding change: c.3257A>G on transcript NM_001134831.2 (MANE Select); coding-DNA position 3257, A replaced by G.
Protein change: p.Glu1086Gly; replaces glutamic acid 1086 with glycine.
Molecular consequence: missense variant.
Genome position (GRCh38, 1-based): chr6:135,323,233, T>C on the plus strand (A>G on the coding strand, the complement: AHI1 is on the minus strand). VCF-style: chr6-135323233-T-C. GRCh37 (hg19) VCF-style: chr6-135644371-T-C.
Other names: c.3257A>G, p.Glu1086Gly (NM_001134830.2, NM_001350503.2, NM_001350504.2 and 1 more transcripts); short protein forms E1086G.
Identifiers: ClinVar variation 143152 (VCV000143152.48), dbSNP rs148000791, ClinGen allele CA232849.

ClinVar aggregate classification (germline): Benign/Likely benign. Review status: criteria provided, multiple submitters, no conflicts (2 of 4 stars). 15 submissions from 15 submitters: Benign (6); Likely benign (3). 6 of the submissions do not count toward it. Last evaluated 2026-09-01.

Conditions:
Optic atrophy. Identifiers: MedGen C0029124, MONDO:0003608, HP:0000648.
Joubert syndrome 3 (JBTS3). Also called: AHI1-related Ciliopathy. Identifiers: Orphanet 220493, MedGen C1837713, MONDO:0012078, OMIM 608629.
Joubert syndrome. Also called: JOUBERT-BOLTSHAUSER SYNDROME; Familial aplasia of the vermis. Identifiers: Orphanet 475, MedGen C5979921, MONDO:0018772.

Allele frequency attached by ClinVar (database versions not stated): ESP Exome Variant Server 0.00008; gnomAD 0.00115 and 0.00176; gnomAD exomes 0.00148 and 0.00377; TOPMed 0.00195; ExAC 0.00384; 1000 Genomes Project 0.00779; 1000 Genomes Project 30x 0.00781.
gnomAD v4.1: 2,450 of 1,613,910 alleles (0.15%); highest among the groups gnomAD compares: East Asian, 4.3%; 45 homozygotes.

Submissions (15):

CeGaT Center for Human Genetics Tuebingen
Classification: Benign. Last evaluated: 2026-09-01. Review status: criteria provided, single submitter. Criteria: CeGaT Center For Human Genetics Tuebingen Variant Classification Criteria Version 2. Collection method: clinical testing. Allele origin: germline. Affected: yes. Observed: 3 variant alleles.
Comment: AHI1: BP4, BS1, BS2

Labcorp Genetics (formerly Invitae), Labcorp
Classification: Benign for Joubert syndrome. Last evaluated: 2026-02-01. Review status: criteria provided, single submitter. Criteria: Invitae Variant Classification Sherloc (09022015). Collection method: clinical testing. Allele origin: germline.

Women's Health and Genetics/Laboratory Corporation of America, LabCorp
Classification: Likely benign. Last evaluated: 2022-02-18. Review status: criteria provided, single submitter. Criteria: LabCorp Variant Classification Summary - May 2015. Collection method: clinical testing. Allele origin: germline.

Molecular Genetics, Royal Melbourne Hospital
Classification: Benign for Joubert syndrome 3. Last evaluated: 2021-10-04. Review status: criteria provided, single submitter. Criteria: ACMG Guidelines, 2015. Collection method: clinical testing. Allele origin: germline. Affected: no.
Comment: East Asian population allele frequency is 4.5% (rs148000791, 874/19,504 alleles, 22 homozygotes in gnomAD v2.1). Based on the classification scheme RMH ACMG Guidelines v1.1.1, this variant is classified as Benign. Following criteria met: BA1

GeneDx
Classification: Benign. Last evaluated: 2021-03-30. Review status: criteria provided, single submitter. Criteria: GeneDx Variant Classification Process June 2021. Collection method: clinical testing. Allele origin: germline. Affected: yes.
Comment: This variant is associated with the following publications: (PMID: 24690944, 27491411, 29343940, 22995991, 25356976, 21228398, 18054307, 26035799, 26035800, 22425360, 28976722, 28391287, 25326637, 31938409)

Illumina Laboratory Services, Illumina
Classification: Likely benign for Joubert syndrome 3. Last evaluated: 2017-04-27. Review status: criteria provided, single submitter. Criteria: ICSL Variant Classification Criteria 13 December 2019. Collection method: clinical testing. Allele origin: germline.
Comment: This variant was observed as part of a predisposition screen in an ostensibly healthy population. A literature search was performed for the gene, cDNA change, and amino acid change (where applicable). Publications were found based on this search. The evidence from the literature, in combination with allele frequency data from public databases where available, was sufficient to determine this variant is unlikely to cause disease. Therefore, this variant is classified as likely benign.

Eurofins Ntd Llc (ga)
Classification: Benign. Last evaluated: 2016-11-09. Review status: criteria provided, single submitter. Criteria: EGL Classification Definitions 2015. Collection method: clinical testing. Allele origin: germline. Observed: 2 variant alleles, 2 heterozygotes.

Center for Pediatric Genomic Medicine, Children's Mercy Hospital and Clinics
Classification: Benign. Last evaluated: 2015-10-30. Review status: criteria provided, single submitter. Criteria: ACMG Guidelines, 2015. Collection method: clinical testing. Allele origin: germline.

PreventionGenetics, part of Exact Sciences
Classification: Likely benign. Review status: criteria provided, single submitter. Criteria: ACMG Guidelines, 2015. Collection method: clinical testing. Allele origin: germline.

Clinical Genetics, Academic Medical Center
Classification: Benign. Review status: no assertion criteria provided. Collection method: clinical testing. Allele origin: germline. Affected: yes. Study: VKGL Data-share Consensus. Not counted in ClinVar's aggregate classification.

Department of Ophthalmology and Visual Sciences Kyoto University
Classification: Likely benign. Review status: no assertion criteria provided. Collection method: not provided. Allele origin: unknown. Not counted in ClinVar's aggregate classification.
ClinVar note: Converted during submission from probable-non-pathogenic to Likely benign.

Diagnostic Laboratory, Department of Genetics, University Medical Center Groningen
Classification: Likely benign for Joubert syndrome 3. Review status: no assertion criteria provided. Collection method: clinical testing. Allele origin: germline. Affected: yes. Study: VKGL Data-share Consensus. Not counted in ClinVar's aggregate classification.

Genome Diagnostics Laboratory, University Medical Center Utrecht
Classification: Benign. Review status: no assertion criteria provided. Collection method: clinical testing. Allele origin: germline. Affected: yes. Study: VKGL Data-share Consensus. Not counted in ClinVar's aggregate classification.

Institute of Human Genetics, Univ. Regensburg, Univ. Regensburg
Classification: Uncertain significance for Optic atrophy. Last evaluated: 2022-01-01. Review status: flagged submission. Criteria: ACMG Guidelines, 2015. Collection method: clinical testing. Allele origin: germline. Affected: yes. Not counted in ClinVar's aggregate classification.
ClinVar note: Reason: Outlier claim with insufficient supporting evidence

UCLA Clinical Genomics Center, UCLA
Classification: Likely pathogenic for Joubert syndrome 3. Last evaluated: 2012-11-20. Review status: flagged submission. Criteria: Lee et al. (JAMA. 2014). Collection method: clinical testing. Allele origin: unknown. Inheritance: Autosomal recessive inheritance. Affected: yes. Study: CES. Not counted in ClinVar's aggregate classification.
ClinVar note: Reason: Older and outlier claim with insufficient supporting evidence

Literature cited by the submitters: PubMed 18054307 (cited by Illumina Laboratory Services, Illumina and Institute of Human Genetics, Univ. Regensburg, Univ. Regensburg); PubMed 21228398 (cited by Institute of Human Genetics, Univ. Regensburg, Univ. Regensburg); PubMed 22995991 (cited by Institute of Human Genetics, Univ. Regensburg, Univ. Regensburg); PubMed 25326637 (cited by Institute of Human Genetics, Univ. Regensburg, Univ. Regensburg); PubMed 26035799 (cited by Institute of Human Genetics, Univ. Regensburg, Univ. Regensburg); PubMed 25356976 (cited by Institute of Human Genetics, Univ. Regensburg, Univ. Regensburg); PubMed 26035800 (cited by Institute of Human Genetics, Univ. Regensburg, Univ. Regensburg); PubMed 28976722 (cited by Institute of Human Genetics, Univ. Regensburg, Univ. Regensburg); PubMed 28391287 (cited by Institute of Human Genetics, Univ. Regensburg, Univ. Regensburg); PubMed 31938409 (cited by Institute of Human Genetics, Univ. Regensburg, Univ. Regensburg).